The following is an entry in ClinVar:

NM_003126.4(SPTA1):c.3037-14T>C

Gene: SPTA1 (spectrin alpha, erythrocytic 1; minus strand). Cytogenetic location: 1q23.1.
Variant type: single nucleotide variant.
Coding change: c.3037-14T>C on transcript NM_003126.4 (MANE Select); 14 bases into the intron before coding-DNA position 3037, T replaced by C.
Molecular consequence: intron variant.
Genome position (GRCh38, 1-based): chr1:158,653,439, A>G on the plus strand (T>C on the coding strand, the complement: SPTA1 is on the minus strand). VCF-style: chr1-158653439-A-G. GRCh37 (hg19) VCF-style: chr1-158623229-A-G.
Other names: p.?.
Identifiers: ClinVar variation 293005 (VCV000293005.49), dbSNP rs142102801, ClinGen allele CA1183185.

ClinVar aggregate classification (germline): Conflicting classifications of pathogenicity. Review status: criteria provided, conflicting classifications (1 of 4 stars). 7 submissions from 5 submitters: Uncertain significance (2); Benign (2); Likely benign (3). Last evaluated 2025-12-22.

Conditions:
Hereditary spherocytosis type 3. Also called: SPTA1-Related Spherocytosis; Spherocytosis type 3. Identifiers: Orphanet 822, MedGen C2678338, MONDO:0010053, OMIM 270970.
Elliptocytosis 2 (EL2). Also called: ELLIPTOCYTOSIS, RHESUS-UNLINKED TYPE. Identifiers: Orphanet 288, MedGen C1851741, MONDO:0007533, OMIM 130600.
Pyropoikilocytosis, hereditary. Also called: Pyropoikilocytosis. Identifiers: MedGen C0520739, MONDO:0009948, OMIM 266140, HP:0004839. Disease mechanism: loss of function.

Allele frequency attached by ClinVar (database versions not stated): 1000 Genomes Project 30x 0.00265; 1000 Genomes Project 0.00300; TOPMed 0.00409; ESP Exome Variant Server 0.00436; gnomAD 0.00699 and 0.00723; ExAC 0.00742; gnomAD exomes 0.00794 and 0.00813.
gnomAD v4.1: 12,831 of 1,613,928 alleles (0.8%); highest among the groups gnomAD compares: Non-Finnish European, 0.81%; 122 homozygotes.

Submissions (7):

Labcorp Genetics (formerly Invitae), Labcorp
Classification: Benign. Last evaluated: 2025-12-22. Review status: criteria provided, single submitter. Criteria: Invitae Variant Classification Sherloc (09022015). Collection method: clinical testing. Allele origin: germline.

CeGaT Center for Human Genetics Tuebingen
Classification: Likely benign. Last evaluated: 2025-08-01. Review status: criteria provided, single submitter. Criteria: CeGaT Center For Human Genetics Tuebingen Variant Classification Criteria Version 2. Collection method: clinical testing. Allele origin: germline. Affected: yes. Observed: 4 variant alleles.
Comment: SPTA1: BS2

ARUP Laboratories, Molecular Genetics and Genomics, ARUP Laboratories
Classification: Benign. Last evaluated: 2025-06-10. Review status: criteria provided, single submitter. Criteria: ARUP Molecular Germline Variant Investigation Process 2024. Collection method: clinical testing. Allele origin: germline.

Mayo Clinic Laboratories, Mayo Clinic
Classification: Likely benign. Last evaluated: 2024-06-05. Review status: criteria provided, single submitter. Criteria: ACMG Guidelines, 2015. Collection method: clinical testing. Allele origin: germline. Observed: 19 variant alleles.

Illumina Laboratory Services, Illumina
Classification: Likely benign for Elliptocytosis 2. Last evaluated: 2018-01-13. Review status: criteria provided, single submitter. Criteria: ICSL Variant Classification Criteria 13 December 2019. Collection method: clinical testing. Allele origin: germline.
Comment: This variant was observed in the ICSL laboratory as part of a predisposition screen in an ostensibly healthy population. It had not been previously curated by ICSL or reported in the Human Gene Mutation Database (HGMD: prior to June 1st, 2018), and was therefore a candidate for classification through an automated scoring system. Utilizing variant allele frequency, disease prevalence and penetrance estimates, and inheritance mode, an automated score was calculated to assess if this variant is too frequent to cause the disease. Based on the score and internal cut-off values, a variant classified as likely benign is not then subjected to further curation. The score for this variant resulted in a classification of likely benign for this disease.

Illumina Laboratory Services, Illumina
Classification: Uncertain significance for Pyropoikilocytosis, hereditary. Last evaluated: 2018-01-13. Review status: criteria provided, single submitter. Criteria: ICSL Variant Classification Criteria 13 December 2019. Collection method: clinical testing. Allele origin: germline.

Illumina Laboratory Services, Illumina
Classification: Uncertain significance for Hereditary spherocytosis type 3. Last evaluated: 2018-01-13. Review status: criteria provided, single submitter. Criteria: ICSL Variant Classification Criteria 13 December 2019. Collection method: clinical testing. Allele origin: germline.